The following is an entry in ClinVar:

ClinVar aggregate classification (germline): Uncertain significance. Review status: criteria provided, multiple submitters, no conflicts (2 of 4 stars). 3 submissions from 3 submitters: Uncertain significance (3). Last evaluated 2025-10-12.

Conditions:
Cardiovascular phenotype. Identifiers: MedGen CN230736.
RASopathy. Also called: rasopathies; Noonan spectrum disorder. Identifiers: Orphanet 536391, MedGen C5555857, MONDO:0021060.

Allele frequency attached by ClinVar (database versions not stated): TOPMed 0.00002; gnomAD exomes below 0.00001; gnomAD 0.00001.
gnomAD v4.1: 3 of 1,613,588 alleles (0.00019%); highest among the groups gnomAD compares: African/African-American, 0.0013%; no homozygotes.

Submissions (3):

Dasa
Classification: Uncertain significance. Last evaluated: 2025-10-12. Review status: criteria provided, single submitter. Criteria: DASA Assertion Criteria. Collection method: clinical testing. Allele origin: germline.
Comment: NM_005188.4(CBL):c.1997C>T (p.Pro666Leu) is a missense variant that results in the substitution of proline with leucine. This variant is rare in population databases. The currently available literature and clinical evidence are not sufficient to establish a definitive association between this variant and the reported condition. Therefore, this variant is classified as a variant of uncertain significance.

Labcorp Genetics (formerly Invitae), Labcorp
Classification: Uncertain significance for RASopathy. Last evaluated: 2025-08-11. Review status: criteria provided, single submitter. Criteria: Invitae Variant Classification Sherloc (09022015). Collection method: clinical testing. Allele origin: germline.
Comment: This sequence change replaces proline, which is neutral and non-polar, with leucine, which is neutral and non-polar, at codon 666 of the CBL protein (p.Pro666Leu). This variant is present in population databases (no rsID available, gnomAD 0.0009%). This variant has not been reported in the literature in individuals affected with CBL-related conditions. ClinVar contains an entry for this variant (Variation ID: 1408263). Invitae Evidence Modeling of protein sequence and biophysical properties (such as structural, functional, and spatial information, amino acid conservation, physicochemical variation, residue mobility, and thermodynamic stability) indicates that this missense variant is not expected to disrupt CBL protein function with a negative predictive value of 95%. In summary, the available evidence is currently insufficient to determine the role of this variant in disease. Therefore, it has been classified as a Variant of Uncertain Significance.

Ambry Genetics
Classification: Uncertain significance for Cardiovascular phenotype. Last evaluated: 2024-04-20. Review status: criteria provided, single submitter. Criteria: Ambry Variant Classification Scheme 2023. Collection method: clinical testing. Allele origin: germline.
Comment: The p.P666L variant (also known as c.1997C>T), located in coding exon 12 of the CBL gene, results from a C to T substitution at nucleotide position 1997. The proline at codon 666 is replaced by leucine, an amino acid with similar properties. This amino acid position is conserved. In addition, the in silico prediction for this alteration is inconclusive. Based on the available evidence, the clinical significance of this variant remains unclear.

NM_005188.4(CBL):c.1997C>T (p.Pro666Leu)

Gene: CBL (Cbl proto-oncogene; plus strand). Cytogenetic location: 11q23.3.
Variant type: single nucleotide variant.
Coding change: c.1997C>T on transcript NM_005188.4 (MANE Select); coding-DNA position 1997, C replaced by T.
Protein change: p.Pro666Leu; replaces proline 666 with leucine.
Molecular consequence: missense variant.
Genome position (GRCh38, 1-based): chr11:119,287,907, C>T. VCF-style: chr11-119287907-C-T. GRCh37 (hg19) VCF-style: chr11-119158617-C-T.
Other names: c.1997C>T (NM_005188.2); short protein forms P666L.
Identifiers: ClinVar variation 1408263 (VCV001408263.9), dbSNP rs1461378431, ClinGen allele CA382922617.